The following is an entry in ClinVar:

NM_001139498.2(FGF13):c.50-148605A>G

Gene: FGF13 (fibroblast growth factor 13; minus strand). Cytogenetic location: Xq26.3.
Variant type: single nucleotide variant.
Coding change: c.50-148605A>G on transcript NM_001139498.2; 148605 bases into the intron before coding-DNA position 50, A replaced by G.
Molecular consequence: intron variant. On other transcripts: missense variant (3).
Genome position (GRCh38, 1-based): chrX:138,857,533, T>C on the plus strand (A>G on the coding strand, the complement: FGF13 is on the minus strand). VCF-style: chrX-138857533-T-C. GRCh37 (hg19) VCF-style: chrX-137939695-T-C.
Other names: c.196A>G, p.Lys66Glu (NM_001139500.2); c.109A>G, p.Lys37Glu (NM_001139501.2, NM_001139502.2); short protein forms K37E, K66E.
Identifiers: ClinVar variation 4813402 (VCV004813402.1).
Genomic context (GRCh38, chrX:138,857,533, plus strand): 5'-AGAGAAAACAAGCAAAACACGCGTCTGTCGTGCACAAACCTTCCGGCTCTGTGTTCTCTT[T>C]GTGGTGTACTTGCTTCAGCGGGCAGCAGAAGATTTCGTGACACTTAGCACGAAAGGGGGA-3'

ClinVar aggregate classification (germline): Uncertain significance (1 of 4 stars; one submission).

gnomAD v4.1: 1 of 1,201,530 alleles (0.000083%); highest among the groups gnomAD compares: Non-Finnish European, 0.00011%; no homozygotes.

Submission:

GeneDx
Classification: Uncertain significance. Last evaluated: 2025-09-11. Review status: criteria provided, single submitter. Criteria: GeneDx Variant Classification Process June 2021. Collection method: clinical testing. Allele origin: germline. Affected: yes.
Comment: Not observed at significant frequency in large population cohorts (gnomAD); In silico analysis supports a deleterious effect on protein structure/function; Reported using an alternate transcript of the gene; Has not been previously published as pathogenic or benign to our knowledge